The following is an entry in ClinVar:

ClinVar aggregate classification (germline): Uncertain significance (1 of 4 stars; one submission).

Allele frequency attached by ClinVar (database versions not stated): TOPMed below 0.00001; gnomAD exomes 0.00002.
gnomAD v4.1: 34 of 1,613,998 alleles (0.0021%); highest among the groups gnomAD compares: Non-Finnish European, 0.0028%; no homozygotes.

Submission:

Labcorp Genetics (formerly Invitae), Labcorp
Classification: Uncertain significance. Last evaluated: 2022-04-26. Review status: criteria provided, single submitter. Criteria: Invitae Variant Classification Sherloc (09022015). Collection method: clinical testing. Allele origin: germline.
Comment: This sequence change replaces aspartic acid, which is acidic and polar, with asparagine, which is neutral and polar, at codon 251 of the PLVAP protein (p.Asp251Asn). This variant is present in population databases (no rsID available, gnomAD 0.0009%). This variant has not been reported in the literature in individuals affected with PLVAP-related conditions. Algorithms developed to predict the effect of missense changes on protein structure and function are either unavailable or do not agree on the potential impact of this missense change (SIFT: "Tolerated"; PolyPhen-2: "Possibly Damaging"; Align-GVGD: "Class C0"). In summary, the available evidence is currently insufficient to determine the role of this variant in disease. Therefore, it has been classified as a Variant of Uncertain Significance.

NM_031310.3(PLVAP):c.751G>A (p.Asp251Asn)

Gene: PLVAP (plasmalemma vesicle associated protein; minus strand). Cytogenetic location: 19p13.11.
Variant type: single nucleotide variant.
Coding change: c.751G>A on transcript NM_031310.3 (MANE Select); coding-DNA position 751, G replaced by A.
Protein change: p.Asp251Asn; replaces aspartic acid 251 with asparagine.
Molecular consequence: missense variant.
Genome position (GRCh38, 1-based): chr19:17,365,714, C>T on the plus strand (G>A on the coding strand, the complement: PLVAP is on the minus strand). VCF-style: chr19-17365714-C-T. GRCh37 (hg19) VCF-style: chr19-17476523-C-T.
Other names: short protein forms D251N.
Identifiers: ClinVar variation 1984735 (VCV001984735.2), dbSNP rs1328032996, ClinGen allele CA404675692.